The following is an entry in ClinVar:

NM_001349338.3(FOXP1):c.853A>T (p.Thr285Ser)

Gene: FOXP1 (forkhead box P1; minus strand). Cytogenetic location: 3p13.
Variant type: single nucleotide variant.
Coding change: c.853A>T on transcript NM_001349338.3 (MANE Select); coding-DNA position 853, A replaced by T.
Protein change: p.Thr285Ser; replaces threonine 285 with serine.
Molecular consequence: missense variant. On other transcripts: non-coding transcript variant (2).
Genome position (GRCh38, 1-based): chr3:71,041,344, T>A on the plus strand (A>T on the coding strand, the complement: FOXP1 is on the minus strand). VCF-style: chr3-71041344-T-A. GRCh37 (hg19) VCF-style: chr3-71090495-T-A.
Other names: c.853A>T, p.Thr285Ser (NM_001244808.3, NM_001244810.2, NM_001244814.3 and 4 more transcripts); c.625A>T, p.Thr209Ser (NM_001244812.3); c.553A>T, p.Thr185Ser (NM_001244813.3, NM_001370548.1, NM_001244815.2 and 1 more transcripts); c.550A>T, p.Thr184Ser (NM_001349337.2, NM_001349343.3, NM_001349344.3); c.850A>T, p.Thr284Ser (NM_001349341.3); short protein forms T184S, T185S, T209S, T284S, T285S.
Identifiers: ClinVar variation 1721172 (VCV001721172.5), dbSNP rs2545769526, ClinGen allele CA353562580.

ClinVar aggregate classification (germline): Uncertain significance (1 of 4 stars; one submission).

Submission:

Labcorp Genetics (formerly Invitae), Labcorp
Classification: Uncertain significance. Last evaluated: 2022-10-07. Review status: criteria provided, single submitter. Criteria: Invitae Variant Classification Sherloc (09022015). Collection method: clinical testing. Allele origin: germline.
Comment: In summary, the available evidence is currently insufficient to determine the role of this variant in disease. Therefore, it has been classified as a Variant of Uncertain Significance. Advanced modeling of protein sequence and biophysical properties (such as structural, functional, and spatial information, amino acid conservation, physicochemical variation, residue mobility, and thermodynamic stability) performed at Invitae indicates that this missense variant is not expected to disrupt FOXP1 protein function. This variant has not been reported in the literature in individuals affected with FOXP1-related conditions. This variant is not present in population databases (gnomAD no frequency). This sequence change replaces threonine, which is neutral and polar, with serine, which is neutral and polar, at codon 285 of the FOXP1 protein (p.Thr285Ser).